The following is an entry in ClinVar:

NM_001909.5(CTSD):c.704+1G>C

Gene: CTSD (cathepsin D; minus strand). Cytogenetic location: 11p15.5.
Variant type: single nucleotide variant.
Coding change: c.704+1G>C on transcript NM_001909.5 (MANE Select); the canonical splice donor site of the intron after coding-DNA position 704, G replaced by C.
Molecular consequence: splice donor variant.
Genome position (GRCh38, 1-based): chr11:1,757,323, C>G on the plus strand (G>C on the coding strand, the complement: CTSD is on the minus strand). VCF-style: chr11-1757323-C-G. GRCh37 (hg19) VCF-style: chr11-1778553-C-G.
Identifiers: ClinVar variation 3655684 (VCV003655684.2).

ClinVar aggregate classification (germline): Likely pathogenic (1 of 4 stars; one submission).

Conditions:
Neuronal ceroid lipofuscinosis. Also called: Neuronal Ceroid Lipofuscinoses. Identifiers: Orphanet 216, Orphanet 79263, MedGen C0027877, MONDO:0016295. Disease mechanism: loss of function.

Submission:

Labcorp Genetics (formerly Invitae), Labcorp
Classification: Likely pathogenic for Neuronal ceroid lipofuscinosis. Last evaluated: 2024-06-05. Review status: criteria provided, single submitter. Criteria: Invitae Variant Classification Sherloc (09022015). Collection method: clinical testing. Allele origin: germline.
Comment: This sequence change affects a donor splice site in intron 5 of the CTSD gene. It is expected to disrupt RNA splicing. Variants that disrupt the donor or acceptor splice site typically lead to a loss of protein function (PMID: 16199547), and loss-of-function variants in CTSD are known to be pathogenic (PMID: 16670177, 26059544). This variant is not present in population databases (gnomAD no frequency). This variant has not been reported in the literature in individuals affected with CTSD-related conditions. Algorithms developed to predict the effect of sequence changes on RNA splicing suggest that this variant may disrupt the consensus splice site. In summary, the currently available evidence indicates that the variant is pathogenic, but additional data are needed to prove that conclusively. Therefore, this variant has been classified as Likely Pathogenic.

Literature cited by the submitters: PubMed 16199547; PubMed 16670177; PubMed 26059544.